The following is an entry in ClinVar:

ClinVar aggregate classification (germline): Uncertain significance (1 of 4 stars; one submission).

Conditions:
Cardiovascular phenotype. Identifiers: MedGen CN230736.
Hereditary cancer-predisposing syndrome. Also called: Tumor predisposition; Neoplastic Syndromes, Hereditary; Hereditary Cancer Syndrome; Hereditary neoplastic syndrome. Identifiers: Orphanet 140162, MedGen C0027672, MeSH D009386, MONDO:0015356.

gnomAD v4.1: 1 of 1,614,168 alleles (0.000062%); highest among the groups gnomAD compares: Non-Finnish European, 0.000085%; no homozygotes.

Submission:

Ambry Genetics
Classification: Uncertain significance for Cardiovascular phenotype; Hereditary cancer-predisposing syndrome. Last evaluated: 2025-02-05. Review status: criteria provided, single submitter. Criteria: Ambry Variant Classification Scheme 2023. Collection method: clinical testing. Allele origin: germline.
Comment: The p.W105G variant (also known as c.313T>G), located in coding exon 3 of the LZTR1 gene, results from a T to G substitution at nucleotide position 313. The tryptophan at codon 105 is replaced by glycine, an amino acid with highly dissimilar properties. This amino acid position is conserved. In addition, this alteration is predicted to be deleterious by in silico analysis. Based on the available evidence, the clinical significance of this variant remains unclear.

NM_006767.4(LZTR1):c.313T>G (p.Trp105Gly)

Gene: LZTR1 (leucine zipper like post translational regulator 1; plus strand). Cytogenetic location: 22q11.21.
Variant type: single nucleotide variant.
Coding change: c.313T>G on transcript NM_006767.4 (MANE Select); coding-DNA position 313, T replaced by G.
Protein change: p.Trp105Gly; replaces tryptophan 105 with glycine.
Molecular consequence: missense variant.
Genome position (GRCh38, 1-based): chr22:20,985,890, T>G. VCF-style: chr22-20985890-T-G. GRCh37 (hg19) VCF-style: chr22-21340179-T-G.
Other names: short protein forms W105G.
Identifiers: ClinVar variation 3869322 (VCV003869322.1).